The following is an entry in ClinVar:

NM_000431.4(MVK):c.80T>G (p.Val27Gly)

Gene: MVK (mevalonate kinase; plus strand). Cytogenetic location: 12q24.11.
Variant type: single nucleotide variant.
Coding change: c.80T>G on transcript NM_000431.4 (MANE Select); coding-DNA position 80, T replaced by G.
Protein change: p.Val27Gly; replaces valine 27 with glycine.
Molecular consequence: missense variant.
Genome position (GRCh38, 1-based): chr12:109,575,999, T>G. VCF-style: chr12-109575999-T-G. GRCh37 (hg19) VCF-style: chr12-110013804-T-G.
Other names: c.80T>G (NM_000431.2); c.80T>G, p.Val27Gly (NM_001114185.3, NM_001301182.2); short protein forms V27G.
Identifiers: ClinVar variation 943307 (VCV000943307.10), dbSNP rs770136482, ClinGen allele CA243452378.

ClinVar aggregate classification (germline): Uncertain significance. Review status: criteria provided, multiple submitters, no conflicts (2 of 4 stars). 2 submissions from 2 submitters: Uncertain significance (2). Last evaluated 2022-12-27.

Conditions:
Hyperimmunoglobulin D with periodic fever (HIDS). Also called: HYPERIMMUNOGLOBULINEMIA D AND PERIODIC FEVER SYNDROME; Hyperimmunoglobulinemia D with periodic fever; Hyperimmunoglobulinemia D. Identifiers: Orphanet 343, MedGen C0398691, MONDO:0009849, OMIM 260920.
Mevalonic aciduria (MEVA). Identifiers: Orphanet 29, MedGen C1959626, MONDO:0012481, OMIM 610377.
Porokeratosis 3, disseminated superficial actinic type (POROK3). Also called: POROKERATOSIS, DISSEMINATED SUPERFICIAL ACTINIC, 1; POROKERATOSIS 3, MULTIPLE TYPES; POROKERATOSIS 3, MIBELLI TYPE. Identifiers: MedGen C1867981, MONDO:0008293, OMIM 175900.
Inborn genetic diseases. Identifiers: MedGen C0950123, MeSH D030342.

Allele frequency attached by ClinVar (database versions not stated): TOPMed below 0.00001; gnomAD exomes 0.00001.
gnomAD v4.1: 12 of 1,614,202 alleles (0.00074%); highest among the groups gnomAD compares: Non-Finnish European, 0.001%; no homozygotes.

Submissions (2):

Ambry Genetics
Classification: Uncertain significance for Inborn genetic diseases. Last evaluated: 2022-12-27. Review status: criteria provided, single submitter. Criteria: Ambry Variant Classification Scheme 2023. Collection method: clinical testing. Allele origin: germline.

Labcorp Genetics (formerly Invitae), Labcorp
Classification: Uncertain significance for Mevalonic aciduria; Hyperimmunoglobulin D with periodic fever; Porokeratosis 3, disseminated superficial actinic type. Last evaluated: 2019-08-26. Review status: criteria provided, single submitter. Criteria: Invitae Variant Classification Sherloc (09022015). Collection method: clinical testing. Allele origin: germline.
Comment: In summary, the available evidence is currently insufficient to determine the role of this variant in disease. Therefore, it has been classified as a Variant of Uncertain Significance. Algorithms developed to predict the effect of missense changes on protein structure and function are either unavailable or do not agree on the potential impact of this missense change (SIFT: "Deleterious"; PolyPhen-2: "Benign"; Align-GVGD: "Class C0"). This variant has not been reported in the literature in individuals with MVK-related conditions. This variant is not present in population databases (ExAC no frequency). This sequence change replaces valine with glycine at codon 27 of the MVK protein (p.Val27Gly). The valine residue is weakly conserved and there is a moderate physicochemical difference between valine and glycine.